The following is an entry in ClinVar:

ClinVar aggregate classification (germline): Uncertain significance. Review status: criteria provided, single submitter (1 of 4 stars). 2 submissions from 2 submitters: Uncertain significance (1). 1 of the submissions does not count toward it. Last evaluated 2022-02-09.

Conditions:
Malignant tumor of breast. Also called: Malignant breast neoplasm; Cancer breast. Identifiers: MedGen C0006142, MONDO:0007254. Disease mechanism: loss of function.

Allele frequency attached by ClinVar (database versions not stated): TOPMed below 0.00001.
gnomAD v4.1: 2 of 1,610,852 alleles (0.00012%); highest among the groups gnomAD compares: Non-Finnish European, 0.00017%; no homozygotes.

Submissions (2):

Labcorp Genetics (formerly Invitae), Labcorp
Classification: Uncertain significance. Last evaluated: 2022-02-09. Review status: criteria provided, single submitter. Criteria: Invitae Variant Classification Sherloc (09022015). Collection method: clinical testing. Allele origin: germline.
Comment: ClinVar contains an entry for this variant (Variation ID: 1050462). This variant has not been reported in the literature in individuals affected with POLE-related conditions. This variant is not present in population databases (gnomAD no frequency). This sequence change replaces cysteine, which is neutral and slightly polar, with arginine, which is basic and polar, at codon 2010 of the POLE protein (p.Cys2010Arg). Algorithms developed to predict the effect of missense changes on protein structure and function are either unavailable or do not agree on the potential impact of this missense change (SIFT: "Deleterious"; PolyPhen-2: "Benign"; Align-GVGD: "Class C0"). In summary, the available evidence is currently insufficient to determine the role of this variant in disease. Therefore, it has been classified as a Variant of Uncertain Significance.

Department of Pathology and Laboratory Medicine, Sinai Health System
Classification: Uncertain significance for Malignant tumor of breast. Review status: no assertion criteria provided. Collection method: clinical testing. Allele origin: unknown. Affected: yes. Study: The Canadian Open Genetics Repository (COGR). Not counted in ClinVar's aggregate classification.
Comment: The POLE p.Cys2010Arg variant was not identified in the literature nor was it identified in the dbSNP, ClinVar, Exome Aggregation Consortium (August 8th 2016) and Genome Aggregation Database (Feb 27, 2017) databases. The p.Cys2010 residue is not conserved in mammals and computational analyses (PolyPhen-2, SIFT, AlignGVGD, BLOSUM, MutationTaster) provide inconsistent predictions regarding the impact to the protein; this information is not very predictive of pathogenicity. The variant occurs outside of the splicing consensus sequence and in silico or computational prediction software programs (SpliceSiteFinder, MaxEntScan, NNSPLICE, GeneSplicer) do not predict a difference in splicing. In summary, based on the above information the clinical significance of this variant cannot be determined with certainty at this time. This variant is classified as a variant of uncertain significance.

NM_006231.4(POLE):c.6028T>C (p.Cys2010Arg)

Gene: POLE (DNA polymerase epsilon, catalytic subunit; minus strand). Cytogenetic location: 12q24.33.
Variant type: single nucleotide variant.
Coding change: c.6028T>C on transcript NM_006231.4 (MANE Select); coding-DNA position 6028, T replaced by C.
Protein change: p.Cys2010Arg; replaces cysteine 2010 with arginine.
Molecular consequence: missense variant.
Genome position (GRCh38, 1-based): chr12:132,632,772, A>G on the plus strand (T>C on the coding strand, the complement: POLE is on the minus strand). VCF-style: chr12-132632772-A-G. GRCh37 (hg19) VCF-style: chr12-133209358-A-G.
Other names: short protein forms C2010R.
Identifiers: ClinVar variation 1050462 (VCV001050462.7), dbSNP rs1593709200, ClinGen allele CA387370850.